The following is an entry in ClinVar:

ClinVar aggregate classification (germline): Uncertain significance (1 of 4 stars; one submission).

Conditions:
RASopathy. Also called: rasopathies; Noonan spectrum disorder. Identifiers: Orphanet 536391, MedGen C5555857, MONDO:0021060.

Submission:

Labcorp Genetics (formerly Invitae), Labcorp
Classification: Uncertain significance for RASopathy. Last evaluated: 2022-09-23. Review status: criteria provided, single submitter. Criteria: Invitae Variant Classification Sherloc (09022015). Collection method: clinical testing. Allele origin: germline.
Comment: In summary, the available evidence is currently insufficient to determine the role of this variant in disease. Therefore, it has been classified as a Variant of Uncertain Significance. This variant has not been reported in the literature in individuals affected with RAF1-related conditions. This variant results in a copy number gain of the genomic region encompassing exon(s) 13-17 of the RAF1 gene. This region includes the termination codon of the gene. This copy number gain extends beyond the assayed region for this gene and therefore may encompass additional genes. As the precise location of this event is unknown, it may be in tandem or it may be located elsewhere in the genome.

NC_000003.11:g.(?_12558090)_(12629156_?)dup

Genes: MKRN2 (makorin ring finger protein 2; plus strand), RAF1 (Raf-1 proto-oncogene, serine/threonine kinase; minus strand), TSEN2 (tRNA splicing endonuclease subunit 2; plus strand). Cytogenetic location: 3p25.2.
Variant type: Duplication.
Identifiers: ClinVar variation 2424560 (VCV002424560.4).